The following is an entry in ClinVar:

NM_000431.4(MVK):c.571del (p.Gln191fs)

Gene: MVK (mevalonate kinase; plus strand). Cytogenetic location: 12q24.11.
Variant type: Deletion.
Coding change: c.571del on transcript NM_000431.4 (MANE Select); coding-DNA position 571, one base deleted (C; older notation c.571delC).
Protein change: p.Gln191fs; shifts the reading frame from glutamine 191.
Molecular consequence: frameshift variant.
Genome position (GRCh38, 1-based): chr12:109,586,065, C deleted; the last of 2 consecutive C bases (chr12:109,586,064-109,586,065); deleting either gives the same sequence. VCF-style (leftmost placement, unchanged base first): chr12-109586063-TC-T. GRCh37 (hg19) VCF-style: chr12-110023868-TC-T.
Other names: c.571del, p.Gln191fs (NM_001114185.3); c.415del, p.Gln139fs (NM_001301182.2); short protein forms Q191fs, Q139fs.
Identifiers: ClinVar variation 97598 (VCV000097598.1), dbSNP rs104895371, ClinGen allele CA149848.

ClinVar aggregate classification (germline): not provided (0 of 4 stars; one submission).

Conditions:
Hyperimmunoglobulin D with periodic fever (HIDS). Also called: HYPERIMMUNOGLOBULINEMIA D AND PERIODIC FEVER SYNDROME; Hyperimmunoglobulinemia D; Hyperimmunoglobulinemia D with periodic fever. Identifiers: Orphanet 343, MedGen C0398691, MONDO:0009849, OMIM 260920.

Submission:

Unité médicale des maladies autoinflammatoires, CHRU Montpellier
No classification provided. Condition: Hyperimmunoglobulin D with periodic fever. Review status: no classification provided. Collection method: not provided. Allele origin: unknown.
Comment: also involved in OMIM 25117